The following is an entry in ClinVar:

ClinVar aggregate classification (germline): Benign/Likely benign. Review status: criteria provided, multiple submitters, no conflicts (2 of 4 stars). 3 submissions from 3 submitters: Benign (1); Likely benign (2). Last evaluated 2022-04-16.

Allele frequency attached by ClinVar (database versions not stated): gnomAD 0.00001 and 0.00013; TOPMed 0.00002; gnomAD exomes 0.00016 and 0.00039; ExAC 0.00060; 1000 Genomes Project 0.00140; 1000 Genomes Project 30x 0.00141.
gnomAD v4.1: 263 of 1,613,756 alleles (0.016%); highest among the groups gnomAD compares: South Asian, 0.27%; 3 homozygotes.

Submissions (3):

Labcorp Genetics (formerly Invitae), Labcorp
Classification: Benign. Last evaluated: 2022-04-16. Review status: criteria provided, single submitter. Criteria: Invitae Variant Classification Sherloc (09022015). Collection method: clinical testing. Allele origin: germline.

GeneDx
Classification: Likely benign. Last evaluated: 2017-12-12. Review status: criteria provided, single submitter. Criteria: GeneDx Variant Classification (06012015). Collection method: clinical testing. Allele origin: germline. Affected: yes.
Comment: This variant is considered likely benign or benign based on one or more of the following criteria: it is a conservative change, it occurs at a poorly conserved position in the protein, it is predicted to be benign by multiple in silico algorithms, and/or has population frequency not consistent with disease.

Genetic Services Laboratory, University of Chicago
Classification: Likely benign. Last evaluated: 2017-05-19. Review status: criteria provided, single submitter. Criteria: ACMG Guidelines, 2015. Collection method: clinical testing. Allele origin: germline. Affected: no.

NM_001083961.2(WDR62):c.1434C>G (p.Phe478Leu)

Gene: WDR62 (WD repeat domain 62; plus strand). Cytogenetic location: 19q13.12.
Variant type: single nucleotide variant.
Coding change: c.1434C>G on transcript NM_001083961.2 (MANE Select); coding-DNA position 1434, C replaced by G.
Protein change: p.Phe478Leu; replaces phenylalanine 478 with leucine.
Molecular consequence: missense variant.
Genome position (GRCh38, 1-based): chr19:36,083,125, C>G. VCF-style: chr19-36083125-C-G. GRCh37 (hg19) VCF-style: chr19-36574027-C-G.
Other names: c.1434C>G, p.Phe478Leu (NM_173636.5); short protein forms F478L.
Identifiers: ClinVar variation 437288 (VCV000437288.10), dbSNP rs542178534, ClinGen allele CA9395606.